The following is an entry in ClinVar:

NM_000135.4(FANCA):c.893+920C>A

Gene: FANCA (FA complementation group A; minus strand). Cytogenetic location: 16q24.3.
Variant type: single nucleotide variant.
Coding change: c.893+920C>A on transcript NM_000135.4 (MANE Select); 920 bases into the intron after coding-DNA position 893, C replaced by A.
Molecular consequence: intron variant.
Genome position (GRCh38, 1-based): chr16:89,798,246, G>T on the plus strand (C>A on the coding strand, the complement: FANCA is on the minus strand). VCF-style: chr16-89798246-G-T. GRCh37 (hg19) VCF-style: chr16-89864654-G-T.
Other names: c.893+920C>A (NM_001286167.3).
Identifiers: ClinVar variation 974204 (VCV000974204.1), dbSNP rs1174586234, ClinGen allele CA1139664972.

ClinVar aggregate classification (germline): Pathogenic (0 of 4 stars; one submission).

Conditions:
Fanconi anemia complementation group A (FANCA). Also called: Fanconi anemia, group A; FANCA-Related Fanconi Anemia. Identifiers: Orphanet 84, MedGen C3469521, MONDO:0009215, OMIM 227650.

Submission:

Leiden Open Variation Database
Classification: Pathogenic for Fanconi anemia complementation group A. Last evaluated: 2020-02-28. Review status: no assertion criteria provided. Collection method: curation. Allele origin: germline. Affected: yes.
Comment: Curator: Arleen D. Auerbach. Submitter to LOVD: Arleen D. Auerbach.

Literature cited by the submitters: PubMed 21273304.